The following is an entry in ClinVar:

NM_024921.4(POF1B):c.-61C>T

Gene: POF1B (POF1B actin binding protein; minus strand). Cytogenetic location: Xq21.1.
Variant type: single nucleotide variant.
Coding change: c.-61C>T on transcript NM_024921.4 (MANE Select); 61 bases upstream of the start codon, C replaced by T.
Molecular consequence: 5 prime UTR variant.
Genome position (GRCh38, 1-based): chrX:85,379,658, G>A on the plus strand (C>T on the coding strand, the complement: POF1B is on the minus strand). VCF-style: chrX-85379658-G-A. GRCh37 (hg19) VCF-style: chrX-84634663-G-A.
Other names: c.-61C>T (NM_001307940.2).
Identifiers: ClinVar variation 368792 (VCV000368792.5), dbSNP rs182593926, ClinGen allele CA10652110.
Genomic context (GRCh38, chrX:85,379,658, plus strand): 5'-AACCTCTGCCAATAGTGGTGCCGGGAAGAGAAGAAAGCTACCTGAGCAGCAGCAAGAGCA[G>A]GTCTGGCAGCTACAGAGGAAGCAGCAAAATATTTGAGCTCAAATGGAAAATGGAGCCACC-3'

ClinVar aggregate classification (germline): Benign (1 of 4 stars; one submission).

Conditions:
Premature ovarian failure 2B. Identifiers: MedGen C1845105, MONDO:0010373, OMIM 300604.

Allele frequency attached by ClinVar (database versions not stated): 1000 Genomes Project 30x 0.00042; 1000 Genomes Project 0.00053; TOPMed 0.00489; gnomAD 0.00520 and 0.00553; gnomAD exomes 0.00684.

Submission:

Illumina Laboratory Services, Illumina
Classification: Benign for Premature ovarian failure 2B. Last evaluated: 2018-01-12. Review status: criteria provided, single submitter. Criteria: ICSL Variant Classification Criteria 13 December 2019. Collection method: clinical testing. Allele origin: germline.
Comment: This variant was observed in the ICSL laboratory as part of a predisposition screen in an ostensibly healthy population. It had not been previously curated by ICSL or reported in the Human Gene Mutation Database (HGMD: prior to June 1st, 2018), and was therefore a candidate for classification through an automated scoring system. Utilizing variant allele frequency, disease prevalence and penetrance estimates, and inheritance mode, an automated score was calculated to assess if this variant is too frequent to cause the disease. Based on the score and internal cut-off values, a variant classified as benign is not then subjected to further curation. The score for this variant resulted in a classification of benign for this disease.